The following is an entry in ClinVar:

ClinVar aggregate classification (germline): Uncertain significance (1 of 4 stars; one submission).

Conditions:
Rhabdoid tumor predisposition syndrome 2 (RTPS2). Identifiers: Orphanet 231108, Orphanet 69077, MedGen C2750074, MONDO:0013224, OMIM 613325.

Allele frequency attached by ClinVar (database versions not stated): gnomAD exomes below 0.00001.
gnomAD v4.1: 1 of 1,609,744 alleles (0.000062%); highest among the groups gnomAD compares: South Asian, 0.0011%; no homozygotes.

Submission:

Labcorp Genetics (formerly Invitae), Labcorp
Classification: Uncertain significance for Rhabdoid tumor predisposition syndrome 2. Last evaluated: 2021-08-31. Review status: criteria provided, single submitter. Criteria: Invitae Variant Classification Sherloc (09022015). Collection method: clinical testing. Allele origin: germline.
Comment: This sequence change falls in intron 29 of the SMARCA4 gene. It does not directly change the encoded amino acid sequence of the SMARCA4 protein. It affects a nucleotide within the consensus splice site of the intron. This variant is not present in population databases (ExAC no frequency). This variant has not been reported in the literature in individuals affected with SMARCA4-related conditions. Variants that disrupt the consensus splice site are a relatively common cause of aberrant splicing (PMID: 17576681, 9536098). Algorithms developed to predict the effect of sequence changes on RNA splicing suggest that this variant is not likely to affect RNA splicing. In summary, the available evidence is currently insufficient to determine the role of this variant in disease. Therefore, it has been classified as a Variant of Uncertain Significance.

Literature cited by the submitters: PubMed 17576681; PubMed 9536098.

NM_003072.5(SMARCA4):c.4170+6T>C

Gene: SMARCA4 (SWI/SNF related BAF chromatin remodeling complex subunit ATPase 4; plus strand). Cytogenetic location: 19p13.2.
Variant type: single nucleotide variant.
Coding change: c.4170+6T>C on transcript NM_003072.5 (MANE Select); 6 bases into the intron after coding-DNA position 4170, T replaced by C.
Molecular consequence: intron variant.
Genome position (GRCh38, 1-based): chr19:11,035,138, T>C. VCF-style: chr19-11035138-T-C. GRCh37 (hg19) VCF-style: chr19-11145814-T-C.
Other names: c.4170+6T>C (NM_001128844.3, NM_001128849.3, NM_001387283.1); c.4071+6T>C (NM_001128847.4, NM_001374457.1, NM_001128845.2 and 2 more transcripts).
Identifiers: ClinVar variation 408614 (VCV000408614.6), dbSNP rs1060502065, ClinGen allele CA16615969.
Genomic context (GRCh38, chr19:11,035,138, plus strand): 5'-CCACCGCAAGGAGGTGGACTACAGCGACTCACTGACGGAGAAGCAGTGGCTCAAGGTACA[T>C]GCTGGAGAGGCCCAGCAGCTGCCGCAGGCCAGCGCCAGGCAGGGCTGGGGAGACAAAGGG-3'